The following is an entry in ClinVar:

ClinVar aggregate classification (germline): Conflicting classifications of pathogenicity. Review status: criteria provided, conflicting classifications (1 of 4 stars). 3 submissions from 3 submitters: Uncertain significance (2); Likely benign (1). Last evaluated 2025-05-04.

Conditions:
Inborn genetic diseases. Identifiers: MedGen C0950123, MeSH D030342.

gnomAD v4.1: 27 of 1,612,772 alleles (0.0017%); highest among the groups gnomAD compares: Non-Finnish European, 0.0022%; no homozygotes.

Submissions (3):

Ambry Genetics
Classification: Uncertain significance for Inborn genetic diseases. Last evaluated: 2025-05-04. Review status: criteria provided, single submitter. Criteria: Ambry Variant Classification Scheme 2023. Collection method: clinical testing. Allele origin: germline.

Labcorp Genetics (formerly Invitae), Labcorp
Classification: Uncertain significance. Last evaluated: 2024-06-02. Review status: criteria provided, single submitter. Criteria: Invitae Variant Classification Sherloc (09022015). Collection method: clinical testing. Allele origin: germline.
Comment: This sequence change replaces valine, which is neutral and non-polar, with methionine, which is neutral and non-polar, at codon 945 of the MECOM protein (p.Val945Met). This variant is present in population databases (rs749026364, gnomAD 0.005%). This variant has not been reported in the literature in individuals affected with MECOM-related conditions. Algorithms developed to predict the effect of missense changes on protein structure and function output the following: SIFT: "Not Available"; PolyPhen-2: "Benign"; Align-GVGD: "Not Available". The methionine amino acid residue is found in multiple mammalian species, which suggests that this missense change does not adversely affect protein function. In summary, the available evidence is currently insufficient to determine the role of this variant in disease. Therefore, it has been classified as a Variant of Uncertain Significance.

Blueprint Genetics
Classification: Likely benign. Last evaluated: 2023-10-23. Review status: criteria provided, single submitter. Criteria: ACMG Guidelines, 2015. Collection method: clinical testing. Allele origin: germline.

NM_004991.4(MECOM):c.3397G>A (p.Val1133Met)

Gene: MECOM (MDS1 and EVI1 complex locus; minus strand). Cytogenetic location: 3q26.2.
Variant type: single nucleotide variant.
Coding change: c.3397G>A on transcript NM_004991.4 (MANE Select); coding-DNA position 3397, G replaced by A.
Protein change: p.Val1133Met; replaces valine 1133 with methionine.
Molecular consequence: missense variant.
Genome position (GRCh38, 1-based): chr3:169,090,004, C>T on the plus strand (G>A on the coding strand, the complement: MECOM is on the minus strand). VCF-style: chr3-169090004-C-T. GRCh37 (hg19) VCF-style: chr3-168807792-C-T.
Other names: c.3028G>A, p.Val1010Met (NM_001105077.4); c.2833G>A, p.Val945Met (NM_001105078.4, NM_001205194.2, NM_001366469.2 and 1 more transcripts); c.2809G>A, p.Val937Met (NM_001163999.2, NM_001366470.2); c.2806G>A, p.Val936Met (NM_001164000.2, NM_001366471.2, NM_001366472.2); c.3370G>A, p.Val1124Met (NM_001366466.2); c.2836G>A, p.Val946Met (NM_001366467.2, NM_001366468.2); c.2398G>A, p.Val800Met (NM_001366473.2); c.1834G>A, p.Val612Met (NM_001366474.2); short protein forms V1010M, V1124M, V800M, V937M, V1133M, V612M, V946M, V936M.
Identifiers: ClinVar variation 3394332 (VCV003394332.5).
Genomic context (GRCh38, chr3:169,090,004, plus strand): 5'-GCAACCGTACATGGATCTACTCTAGCTTAGTTTCTAAAGTCACCCAAGGTACTCACCTCA[C>T]TGGGGATGTCTTGCAACTCATCTCCAGGGCACTGGTTTCTTCATAGTCATCCTCAGGGTT-3'
Protein context (NP_004982.2, residues 1123-1143): ALEMSCKTSP[Val1133Met]RYKEEEYKSG